The following is an entry in ClinVar:

ClinVar aggregate classification (germline): Pathogenic/Likely pathogenic. Review status: criteria provided, multiple submitters, no conflicts (2 of 4 stars). 3 submissions from 3 submitters: Pathogenic (2); Likely pathogenic (1). Last evaluated 2025-07-10.

Conditions:
Mucolipidosis type II. Also called: Mucolipidosis 2; ML 2; Inclusion cell disease; Leroy Disease; N-acetylglucosamine 1phosphotransferase deficiency; ML disorder type 2. Identifiers: Orphanet 576, MedGen C2673377, MONDO:0009650, OMIM 252500.
Pseudo-Hurler polydystrophy. Also called: ML IIIA; Mucolipidosis III Alpha/Beta; MUCOLIPIDOSIS IIIA; ML III; ML III ALPHA/BETA; Type III Mucolipidosis. Identifiers: Orphanet 423461, Orphanet 577, MedGen C0033788, MONDO:0018931, OMIM 252600.
GNPTAB-mucolipidosis. Also called: UDP-N-acetylglucosamine-1-phosphotransferase subunit alpha/beta deficiency. Identifiers: MedGen CN322573, MONDO:0100122.

Submissions (3):

Women's Health and Genetics/Laboratory Corporation of America, LabCorp
Classification: Pathogenic for Pseudo-Hurler polydystrophy. Last evaluated: 2025-07-10. Review status: criteria provided, single submitter. Criteria: LabCorp Variant Classification Summary - May 2015. Collection method: clinical testing. Allele origin: germline.
Comment: Variant summary: GNPTAB c.2908C>T (p.Gln970X) results in a premature termination codon, predicted to cause a truncation of the encoded protein or absence of the protein due to nonsense mediated decay, which are commonly known mechanisms for disease. The variant was absent in 251420 control chromosomes. To our knowledge, no occurrence of c.2908C>T in individuals affected with Pseudo-Hurler polydystrophy and no experimental evidence demonstrating its impact on protein function have been reported. ClinVar contains an entry for this variant (Variation ID: 983856). Based on the evidence outlined above, the variant was classified as pathogenic.

Labcorp Genetics (formerly Invitae), Labcorp
Classification: Pathogenic for Pseudo-Hurler polydystrophy; Mucolipidosis type II. Last evaluated: 2021-05-18. Review status: criteria provided, single submitter. Criteria: Invitae Variant Classification Sherloc (09022015). Collection method: clinical testing. Allele origin: germline.
Comment: This sequence change creates a premature translational stop signal (p.Gln970*) in the GNPTAB gene. It is expected to result in an absent or disrupted protein product. Loss-of-function variants in GNPTAB are known to be pathogenic (PMID: 19617216, 25107912). This variant is not present in population databases (ExAC no frequency). This variant has not been reported in the literature in individuals with GNPTAB-related conditions. ClinVar contains an entry for this variant (Variation ID: 983856). Algorithms developed to predict the effect of sequence changes on RNA splicing suggest that this variant may create or strengthen a splice site, but this prediction has not been confirmed by published transcriptional studies. For these reasons, this variant has been classified as Pathogenic.

Myriad Genetics, Inc.
Classification: Likely pathogenic for GNPTAB-mucolipidosis. Last evaluated: 2019-12-19. Review status: criteria provided, single submitter. Criteria: Myriad Autosomal Dominant, Autosomal Recessive and X-Linked Classification Criteria (2023). Collection method: clinical testing. Allele origin: unknown.
Comment: NM_024312.4(GNPTAB):c.2908C>T(Q970*) is expected to be pathogenic in the context of GNPTAB-related disorders. This variant is predicted to lead to an abnormal or absent protein product due to the creation of a premature termination codon in GNPTAB, a gene where loss-of-function variants are known to be pathogenic. Please note: this variant was assessed in the context of healthy population screening.

Literature cited by the submitters: PubMed 19617216 (cited by Labcorp Genetics (formerly Invitae), Labcorp); PubMed 25107912 (cited by Labcorp Genetics (formerly Invitae), Labcorp).

NM_024312.5(GNPTAB):c.2908C>T (p.Gln970Ter)

Gene: GNPTAB (N-acetylglucosamine-1-phosphate transferase subunits alpha and beta; minus strand). Cytogenetic location: 12q23.2.
Variant type: single nucleotide variant.
Coding change: c.2908C>T on transcript NM_024312.5 (MANE Select); coding-DNA position 2908, C replaced by T.
Protein change: p.Gln970Ter; replaces glutamine 970 with a stop codon.
Molecular consequence: nonsense.
Genome position (GRCh38, 1-based): chr12:101,761,571, G>A on the plus strand (C>T on the coding strand, the complement: GNPTAB is on the minus strand). VCF-style: chr12-101761571-G-A. GRCh37 (hg19) VCF-style: chr12-102155349-G-A.
Other names: short protein forms Q970*.
Identifiers: ClinVar variation 983856 (VCV000983856.10), dbSNP rs1952995212, ClinGen allele CA386296095.